The following is an entry in ClinVar:

ClinVar aggregate classification (germline): Uncertain significance (1 of 4 stars; one submission).

Conditions:
Hereditary spastic paraplegia 4. Also called: Spastic paraplegia 4, autosomal dominant; Spastic Paraplegia 4; Familial spastic paraplegia autosomal dominant 2. Identifiers: Orphanet 100985, MedGen C1866855, MONDO:0008438, OMIM 182601.

Submission:

Labcorp Genetics (formerly Invitae), Labcorp
Classification: Uncertain significance for Hereditary spastic paraplegia 4. Last evaluated: 2026-01-05. Review status: criteria provided, single submitter. Criteria: Invitae Variant Classification Sherloc (09022015). Collection method: clinical testing. Allele origin: germline.
Comment: This sequence change replaces asparagine, which is neutral and polar, with lysine, which is basic and polar, at codon 18 of the SPAST protein (p.Asn18Lys). This variant is not present in population databases (gnomAD no frequency). This variant has not been reported in the literature in individuals affected with SPAST-related conditions. Invitae Evidence Modeling of protein sequence and biophysical properties (such as structural, functional, and spatial information, amino acid conservation, physicochemical variation, residue mobility, and thermodynamic stability) indicates that this missense variant is not expected to disrupt SPAST protein function with a negative predictive value of 95%. In summary, the available evidence is currently insufficient to determine the role of this variant in disease. Therefore, it has been classified as a Variant of Uncertain Significance.

NM_014946.4(SPAST):c.54C>G (p.Asn18Lys)

Gene: SPAST (spastin; plus strand). Cytogenetic location: 2p22.3.
Variant type: single nucleotide variant.
Coding change: c.54C>G on transcript NM_014946.4 (MANE Select); coding-DNA position 54, C replaced by G.
Protein change: p.Asn18Lys; replaces asparagine 18 with lysine.
Molecular consequence: missense variant.
Genome position (GRCh38, 1-based): chr2:32,063,885, C>G. VCF-style: chr2-32063885-C-G. GRCh37 (hg19) VCF-style: chr2-32288954-C-G.
Other names: c.54C>G, p.Asn18Lys (NM_001363823.2, NM_001363875.2, NM_001377959.1 and 1 more transcripts); short protein forms N18K.
Identifiers: ClinVar variation 4769068 (VCV004769068.1).